The following is an entry in ClinVar:

NM_020884.7(MYH7B):c.851G>A (p.Arg284His)

Gene: MYH7B (myosin heavy chain 7B; plus strand). Cytogenetic location: 20q11.22.
Variant type: single nucleotide variant.
Coding change: c.851G>A on transcript NM_020884.7 (MANE Select); coding-DNA position 851, G replaced by A.
Protein change: p.Arg284His; replaces arginine 284 with histidine.
Molecular consequence: missense variant.
Genome position (GRCh38, 1-based): chr20:34,986,145, G>A. VCF-style: chr20-34986145-G-A. GRCh37 (hg19) VCF-style: chr20-33573948-G-A.
Other names: short protein forms R284H.
Identifiers: ClinVar variation 2470734 (VCV002470734.4), dbSNP rs368217364, ClinGen allele CA9826683.

ClinVar aggregate classification (germline): Uncertain significance. Review status: criteria provided, multiple submitters, no conflicts (2 of 4 stars). 2 submissions from 2 submitters: Uncertain significance (2). Last evaluated 2025-01-29.

Allele frequency attached by ClinVar (database versions not stated): gnomAD exomes 0.00002; ESP Exome Variant Server 0.00008.
gnomAD v4.1: 29 of 1,598,826 alleles (0.0018%); highest among the groups gnomAD compares: African/African-American, 0.0027%; no homozygotes.

Submissions (2):

Labcorp Genetics (formerly Invitae), Labcorp
Classification: Uncertain significance. Last evaluated: 2025-01-29. Review status: criteria provided, single submitter. Criteria: Invitae Variant Classification Sherloc (09022015). Collection method: clinical testing. Allele origin: germline.
Comment: This sequence change replaces arginine, which is basic and polar, with histidine, which is basic and polar, at codon 326 of the MYH7B protein (p.Arg326His). The frequency data for this variant in the population databases is considered unreliable, as metrics indicate poor data quality at this position in the gnomAD database. This variant has not been reported in the literature in individuals affected with MYH7B-related conditions. ClinVar contains an entry for this variant (Variation ID: 2470734). Invitae Evidence Modeling of protein sequence and biophysical properties (such as structural, functional, and spatial information, amino acid conservation, physicochemical variation, residue mobility, and thermodynamic stability) indicates that this missense variant is expected to disrupt MYH7B protein function with a positive predictive value of 80%. In summary, the available evidence is currently insufficient to determine the role of this variant in disease. Therefore, it has been classified as a Variant of Uncertain Significance.

Ambry Genetics
Classification: Uncertain significance. Last evaluated: 2023-01-17. Review status: criteria provided, single submitter. Criteria: Ambry Variant Classification Scheme 2023. Collection method: clinical testing. Allele origin: germline.